The following is an entry in ClinVar:

NM_153240.5(NPHP3):c.1985+1G>A

Genes: NPHP3 (nephrocystin 3; minus strand), NPHP3-ACAD11 (NPHP3-ACAD11 readthrough (NMD candidate); minus strand). Cytogenetic location: 3q22.1.
Variant type: single nucleotide variant.
Coding change: c.1985+1G>A on transcript NM_153240.5 (MANE Select); the canonical splice donor site of the intron after coding-DNA position 1985, G replaced by A.
Molecular consequence: splice donor variant.
Genome position (GRCh38, 1-based): chr3:132,699,352, C>T on the plus strand (G>A on the coding strand, the complement: NPHP3 is on the minus strand). VCF-style: chr3-132699352-C-T. GRCh37 (hg19) VCF-style: chr3-132418196-C-T.
Identifiers: ClinVar variation 462725 (VCV000462725.9), dbSNP rs1553773271, ClinGen allele CA354582360.

ClinVar aggregate classification (germline): Pathogenic/Likely pathogenic. Review status: criteria provided, multiple submitters, no conflicts (2 of 4 stars). 2 submissions from 2 submitters: Pathogenic (1); Likely pathogenic (1). Last evaluated 2021-07-08.

Conditions:
NPHP3-related Meckel-like syndrome. Also called: GOLDSTON SYNDROME; Meckel syndrome type 7. Identifiers: Orphanet 3032, MedGen C2673885, MONDO:0009966, OMIM 267010.
Nephronophthisis 3 (NPHP3). Also called: Adolescent nephronophthisis. Identifiers: Orphanet 655, MedGen C1858392, MONDO:0011456, OMIM 604387.
Renal-hepatic-pancreatic dysplasia 1 (RHPD1). Identifiers: MedGen C3715199, MONDO:0008833, OMIM 208540.
Nephronophthisis. Also called: Juvenile Nephronophthisis. Identifiers: Orphanet 655, MedGen C0687120, MONDO:0019005, HP:0000090.

Allele frequency attached by ClinVar (database versions not stated): gnomAD exomes below 0.00001; TOPMed below 0.00001.
gnomAD v4.1: 2 of 1,602,056 alleles (0.00012%); highest among the groups gnomAD compares: Middle Eastern, 0.017%; no homozygotes.

Submissions (2):

Fulgent Genetics
Classification: Likely pathogenic for Renal-hepatic-pancreatic dysplasia 1; NPHP3-related Meckel-like syndrome; Nephronophthisis 3. Last evaluated: 2021-07-08. Review status: criteria provided, single submitter. Criteria: ACMG Guidelines, 2015. Collection method: clinical testing. Allele origin: unknown.

Labcorp Genetics (formerly Invitae), Labcorp
Classification: Pathogenic for Nephronophthisis. Last evaluated: 2018-09-15. Review status: criteria provided, single submitter. Criteria: Invitae Variant Classification Sherloc (09022015). Collection method: clinical testing. Allele origin: germline.
Comment: For these reasons, this variant has been classified as Pathogenic. This variant is not present in population databases (ExAC no frequency) and has not been reported in the literature in individuals with a NPHP3-related disease. This sequence change affects a donor splice site in intron 13 of the NPHP3 gene. It is expected to disrupt RNA splicing and likely results in an absent or disrupted protein product.